The following is an entry in ClinVar:

NM_001358351.3(SEMA6D):c.2285G>A (p.Arg762Gln)

Gene: SEMA6D (semaphorin 6D; plus strand). Cytogenetic location: 15q21.1.
Variant type: single nucleotide variant.
Coding change: c.2285G>A on transcript NM_001358351.3 (MANE Select); coding-DNA position 2285, G replaced by A.
Protein change: p.Arg762Gln; replaces arginine 762 with glutamine.
Molecular consequence: missense variant. On other transcripts: 3 prime UTR variant (1).
Genome position (GRCh38, 1-based): chr15:47,770,848, G>A. VCF-style: chr15-47770848-G-A. GRCh37 (hg19) VCF-style: chr15-48063045-G-A.
Other names: c.2099G>A, p.Arg700Gln (NM_001198999.2, NM_020858.2); c.2324G>A, p.Arg775Gln (NM_001358352.2); c.2060G>A, p.Arg687Gln (NM_153616.2); c.2117G>A, p.Arg706Gln (NM_153617.2); c.2285G>A, p.Arg762Gln (NM_153618.2); c.*301G>A (NM_153619.1); short protein forms R687Q, R700Q, R706Q, R762Q, R775Q.
Identifiers: ClinVar variation 3043182 (VCV003043182.2), dbSNP rs76460641, ClinGen allele CA7545535.

ClinVar aggregate classification (germline): Benign (0 of 4 stars; one submission).

Conditions:
SEMA6D-related disorder. Also called: SEMA6D-related condition.

Allele frequency attached by ClinVar (database versions not stated): gnomAD exomes 0.00021; ExAC 0.00066; 1000 Genomes Project 30x 0.00172; 1000 Genomes Project 0.00180; gnomAD 0.00207; ESP Exome Variant Server 0.00216; TOPMed 0.00260.
gnomAD v4.1: 645 of 1,613,880 alleles (0.04%); highest among the groups gnomAD compares: African/African-American, 0.72%; no homozygotes.

Submission:

PreventionGenetics, part of Exact Sciences
Classification: Benign for SEMA6D-related condition. Last evaluated: 2019-03-08. Review status: no assertion criteria provided. Collection method: clinical testing. Allele origin: germline.
Comment: This variant is classified as benign based on ACMG/AMP sequence variant interpretation guidelines (Richards et al. 2015 PMID: 25741868, with internal and published modifications).